The following is an entry in ClinVar:

ClinVar aggregate classification (germline): Pathogenic (1 of 4 stars; one submission).

Conditions:
LAMA2-related muscular dystrophy (LAMA2-RD). Also called: Laminin alpha 2-related dystrophy. Identifiers: MedGen C5679788, MONDO:0100228.

Submission:

Labcorp Genetics (formerly Invitae), Labcorp
Classification: Pathogenic for LAMA2-related muscular dystrophy. Last evaluated: 2023-08-23. Review status: criteria provided, single submitter. Criteria: Invitae Variant Classification Sherloc (09022015). Collection method: clinical testing. Allele origin: germline.
Comment: This variant has not been reported in the literature in individuals affected with LAMA2-related conditions. This variant is not present in population databases (gnomAD no frequency). This sequence change creates a premature translational stop signal (p.Trp1569*) in the LAMA2 gene. It is expected to result in an absent or disrupted protein product. Loss-of-function variants in LAMA2 are known to be pathogenic (PMID: 18700894, 32904964). For these reasons, this variant has been classified as Pathogenic.

Literature cited by the submitters: PubMed 18700894; PubMed 32904964.

NM_000426.4(LAMA2):c.4706G>A (p.Trp1569Ter)

Gene: LAMA2 (laminin subunit alpha 2; plus strand). Cytogenetic location: 6q22.33.
Variant type: single nucleotide variant.
Coding change: c.4706G>A on transcript NM_000426.4 (MANE Select); coding-DNA position 4706, G replaced by A.
Protein change: p.Trp1569Ter; replaces tryptophan 1569 with a stop codon.
Molecular consequence: nonsense.
Genome position (GRCh38, 1-based): chr6:129,353,346, G>A. VCF-style: chr6-129353346-G-A. GRCh37 (hg19) VCF-style: chr6-129674491-G-A.
Other names: c.4706G>A, p.Trp1569Ter (NM_001079823.2); short protein forms W1569*.
Identifiers: ClinVar variation 2754619 (VCV002754619.3), dbSNP rs2482575969, ClinGen allele CA365618891.